The following is an entry in ClinVar:

NM_145045.5(ODAD3):c.1213G>A (p.Glu405Lys)

Gene: ODAD3 (outer dynein arm docking complex subunit 3; minus strand). Cytogenetic location: 19p13.2.
Variant type: single nucleotide variant.
Coding change: c.1213G>A on transcript NM_145045.5 (MANE Select); coding-DNA position 1213, G replaced by A.
Protein change: p.Glu405Lys; replaces glutamic acid 405 with lysine.
Molecular consequence: missense variant.
Genome position (GRCh38, 1-based): chr19:11,422,765, C>T on the plus strand (G>A on the coding strand, the complement: ODAD3 is on the minus strand). VCF-style: chr19-11422765-C-T. GRCh37 (hg19) VCF-style: chr19-11533433-C-T.
Other names: c.1051G>A, p.Glu351Lys (NM_001302453.1); c.1033G>A, p.Glu345Lys (NM_001302454.2); c.1213G>A (NM_145045.4); short protein forms E351K, E345K, E405K.
Identifiers: ClinVar variation 2754088 (VCV002754088.4), dbSNP rs757146912, ClinGen allele CA9212084.
Genomic context (GRCh38, chr19:11,422,765, plus strand): 5'-CCAGCGTGGCCTCCCCCGAGTACTTGAGGTCTTCCAGCTCCCGCTGCAGTTGTTGCTTCT[C>T]CTGCTTCAGCCTCACCAACGTCTGCTCGTTCTCGCTCTTGAGCGTCTCCAACTGCGCGAA-3'
Protein context (NP_659482.3, residues 395-415): NEQTLVRLKQ[Glu405Lys]KQQLQRELED

ClinVar aggregate classification (germline): Uncertain significance. Review status: criteria provided, multiple submitters, no conflicts (2 of 4 stars). 2 submissions from 2 submitters: Uncertain significance (2). Last evaluated 2025-09-25.

Conditions:
Primary ciliary dyskinesia 30. Also called: CILIARY DYSKINESIA, PRIMARY, 30, WITH OR WITHOUT SITUS INVERSUS. Identifiers: Orphanet 244, MedGen C4015016, MONDO:0014465, OMIM 616037.
Inborn genetic diseases. Identifiers: MedGen C0950123, MeSH D030342.

Allele frequency attached by ClinVar (database versions not stated): TOPMed below 0.00001; ExAC 0.00001; gnomAD exomes 0.00001.

Submissions (2):

Ambry Genetics
Classification: Uncertain significance for Inborn genetic diseases. Last evaluated: 2025-09-25. Review status: criteria provided, single submitter. Criteria: Ambry Variant Classification Scheme 2023. Collection method: clinical testing. Allele origin: germline.

Labcorp Genetics (formerly Invitae), Labcorp
Classification: Uncertain significance for Primary ciliary dyskinesia 30. Last evaluated: 2024-10-29. Review status: criteria provided, single submitter. Criteria: Invitae Variant Classification Sherloc (09022015). Collection method: clinical testing. Allele origin: germline.
Comment: This sequence change replaces glutamic acid, which is acidic and polar, with lysine, which is basic and polar, at codon 405 of the CCDC151 protein (p.Glu405Lys). This variant is present in population databases (rs757146912, gnomAD 0.002%). This variant has not been reported in the literature in individuals affected with CCDC151-related conditions. ClinVar contains an entry for this variant (Variation ID: 2754088). An algorithm developed to predict the effect of missense changes on protein structure and function (PolyPhen-2) suggests that this variant is likely to be disruptive. In summary, the available evidence is currently insufficient to determine the role of this variant in disease. Therefore, it has been classified as a Variant of Uncertain Significance.